The following is an entry in ClinVar:

ClinVar aggregate classification (germline): Likely pathogenic. Review status: criteria provided, multiple submitters, no conflicts (2 of 4 stars). 2 submissions from 2 submitters: Likely pathogenic (2). Last evaluated 2025-10-01.

Conditions:
Familial X-linked hypophosphatemic vitamin D refractory rickets (XLHRD). Also called: Hypophosphatemic Rickets, X-Linked Dominant; X-Linked Hypophosphatemia; Hypophosphatemia, vitamin D-resistant rickets; Vitamin D-resistant rickets, X-linked; HYPOPHOSPHATEMIC VITAMIN D-RESISTANT RICKETS. Identifiers: Orphanet 89936, MedGen C0733682, MONDO:0010619, OMIM 307800.

Submissions (2):

Women's Health and Genetics/Laboratory Corporation of America, LabCorp
Classification: Likely pathogenic for Familial X-linked hypophosphatemic vitamin D refractory rickets. Last evaluated: 2025-10-01. Review status: criteria provided, single submitter. Criteria: LabCorp Variant Classification Summary - May 2015. Collection method: clinical testing. Allele origin: germline.
Comment: Variant summary: PHEX c.1173+5G>C alters a conserved nucleotide located close to a canonical splice site and therefore could affect mRNA splicing, leading to a significantly altered protein sequence. Several computational tools predict a significant impact on normal splicing: One predicts the variant abolishes a 5' splicing donor site. Three predict the variant weakens a 5' donor site. However, these predictions have yet to be confirmed by functional studies. The variant was absent in 183039 control chromosomes. The available data on variant occurrences in the general population are insufficient to allow any conclusion about variant significance. c.1173+5G>C has been observed in at least two individuals affected with X-linked hypophosphatemia (Zhang_2019), including an individual who carried the variant in a mosaic state (~35% allele fraction) (Prentice_2021). These data indicate that the variant may be associated with disease. To our knowledge, no experimental evidence demonstrating an impact on protein function has been reported. The following publication has been ascertained in the context of this evaluation (PMID: 30682568, external data). No submitters have cited clinical-significance assessments for this variant to ClinVar, however other changes at the same c. position have been submitted as pathogenic/likely pathogenic (c.1173+5G>A; Variation ID: 945877 and c.1173+5G>T; Variation ID: 2036681). Based on the evidence outlined above, the variant was classified as likely pathogenic.

Labcorp Genetics (formerly Invitae), Labcorp
Classification: Likely pathogenic. Last evaluated: 2025-02-27. Review status: criteria provided, single submitter. Criteria: Invitae Variant Classification Sherloc (09022015). Collection method: clinical testing. Allele origin: germline.
Comment: This sequence change falls in intron 10 of the PHEX gene. It does not directly change the encoded amino acid sequence of the PHEX protein. It affects a nucleotide within the consensus splice site. This variant is not present in population databases (gnomAD no frequency). This variant has been observed in individual(s) with hypophosphatemic rickets (PMID: 30682568; internal data). Variants that disrupt the consensus splice site are a relatively common cause of aberrant splicing (PMID: 17576681, 9536098). Algorithms developed to predict the effect of sequence changes on RNA splicing suggest that this variant may disrupt the consensus splice site. This variant disrupts the c.1173+5G nucleotide in the PHEX gene. Other variant(s) that disrupt this nucleotide have been determined to be pathogenic (internal data). This suggests that this nucleotide is clinically significant, and that variants that disrupt this position are likely to be disease-causing. In summary, the currently available evidence indicates that the variant is pathogenic, but additional data are needed to prove that conclusively. Therefore, this variant has been classified as Likely Pathogenic.

Literature cited by the submitters: PubMed 30682568 (cited by Women's Health and Genetics/Laboratory Corporation of America, LabCorp and Labcorp Genetics (formerly Invitae), Labcorp); PubMed 17576681 (cited by Labcorp Genetics (formerly Invitae), Labcorp); PubMed 9536098 (cited by Labcorp Genetics (formerly Invitae), Labcorp).

NM_000444.6(PHEX):c.1173+5G>C

Gene: PHEX (phosphate regulating endopeptidase X-linked; plus strand). Cytogenetic location: Xp22.11.
Variant type: single nucleotide variant.
Coding change: c.1173+5G>C on transcript NM_000444.6 (MANE Select); 5 bases into the intron after coding-DNA position 1173, G replaced by C.
Molecular consequence: intron variant.
Genome position (GRCh38, 1-based): chrX:22,111,565, G>C. VCF-style: chrX-22111565-G-C. GRCh37 (hg19) VCF-style: chrX-22129683-G-C.
Other names: c.1173+5G>C (NM_001282754.2).
Identifiers: ClinVar variation 4687631 (VCV004687631.2).